The following is an entry in ClinVar:

NM_015450.3(POT1):c.142A>C (p.Thr48Pro)

Gene: POT1 (protection of telomeres 1; minus strand). Cytogenetic location: 7q31.33.
Variant type: single nucleotide variant.
Coding change: c.142A>C on transcript NM_015450.3 (MANE Select); coding-DNA position 142, A replaced by C.
Protein change: p.Thr48Pro; replaces threonine 48 with proline.
Molecular consequence: missense variant. On other transcripts: non-coding transcript variant (3), intron variant (1).
Genome position (GRCh38, 1-based): chr7:124,871,024, T>G on the plus strand (A>C on the coding strand, the complement: POT1 is on the minus strand). VCF-style: chr7-124871024-T-G. GRCh37 (hg19) VCF-style: chr7-124511078-T-G.
Other names: c.-138-7384A>C (NM_001042594.2); short protein forms T48P.
Identifiers: ClinVar variation 1772455 (VCV001772455.7), dbSNP rs1298555006, ClinGen allele CA369061687.
Genomic context (GRCh38, chr7:124,871,024, plus strand): 5'-CTTCATAGTTTCCACTAAAGAGCAGGCAAGTTAGTTTTACATTTGTCTGGTCCACAATAG[T>G]TACAACTGAGCAATAATCTGGAAAACACAAAAATATTTTACCTGACTTTCAATATTTTAA-3'
Protein context (NP_056265.2, residues 38-58): SKGTDYCSVV[Thr48Pro]IVDQTNVKLT

ClinVar aggregate classification (germline): Uncertain significance. Review status: criteria provided, multiple submitters, no conflicts (2 of 4 stars). 2 submissions from 2 submitters: Uncertain significance (2). Last evaluated 2022-09-15.

Conditions:
Tumor predisposition syndrome 3 (TPDS3). Also called: Glioma susceptibility 9; LONG TELOMERE SYNDROME, POT1-RELATED; POT1 Tumor Predisposition; Melanoma, cutaneous malignant, susceptibility to, 10. Identifiers: Orphanet 618, MedGen C4014476, MONDO:0014368, OMIM 615848.
Hereditary cancer-predisposing syndrome. Also called: Tumor predisposition; Neoplastic Syndromes, Hereditary; Hereditary Cancer Syndrome; Hereditary neoplastic syndrome. Identifiers: Orphanet 140162, MedGen C0027672, MeSH D009386, MONDO:0015356.

Submissions (2):

Labcorp Genetics (formerly Invitae), Labcorp
Classification: Uncertain significance for Tumor predisposition syndrome 3. Last evaluated: 2022-09-15. Review status: criteria provided, single submitter. Criteria: Invitae Variant Classification Sherloc (09022015). Collection method: clinical testing. Allele origin: germline.
Comment: This sequence change replaces threonine, which is neutral and polar, with proline, which is neutral and non-polar, at codon 48 of the POT1 protein (p.Thr48Pro). This variant is not present in population databases (gnomAD no frequency). This variant has not been reported in the literature in individuals affected with POT1-related conditions. Advanced modeling of protein sequence and biophysical properties (such as structural, functional, and spatial information, amino acid conservation, physicochemical variation, residue mobility, and thermodynamic stability) performed at Invitae indicates that this missense variant is not expected to disrupt POT1 protein function. In summary, the available evidence is currently insufficient to determine the role of this variant in disease. Therefore, it has been classified as a Variant of Uncertain Significance.

Ambry Genetics
Classification: Uncertain significance for Hereditary cancer-predisposing syndrome. Last evaluated: 2022-04-29. Review status: criteria provided, single submitter. Criteria: Ambry Variant Classification Scheme 2023. Collection method: clinical testing. Allele origin: germline.
Comment: The p.T48P variant (also known as c.142A>C), located in coding exon 3 of the POT1 gene, results from an A to C substitution at nucleotide position 142. The threonine at codon 48 is replaced by proline, an amino acid with highly similar properties. This amino acid position is conserved. In addition, the in silico prediction for this alteration is inconclusive. Since supporting evidence is limited at this time, the clinical significance of this alteration remains unclear.